The following is an entry in ClinVar:

NM_030665.4(RAI1):c.3134G>A (p.Gly1045Asp)

Gene: RAI1 (retinoic acid induced 1; plus strand). Cytogenetic location: 17p11.2.
Variant type: single nucleotide variant.
Coding change: c.3134G>A on transcript NM_030665.4 (MANE Select); coding-DNA position 3134, G replaced by A.
Protein change: p.Gly1045Asp; replaces glycine 1045 with aspartic acid.
Molecular consequence: missense variant.
Genome position (GRCh38, 1-based): chr17:17,796,082, G>A. VCF-style: chr17-17796082-G-A. GRCh37 (hg19) VCF-style: chr17-17699396-G-A.
Other names: short protein forms G1045D.
Identifiers: ClinVar variation 3663492 (VCV003663492.2).

ClinVar aggregate classification (germline): Uncertain significance (1 of 4 stars; one submission).

Submission:

Labcorp Genetics (formerly Invitae), Labcorp
Classification: Uncertain significance. Last evaluated: 2025-03-10. Review status: criteria provided, single submitter. Criteria: Invitae Variant Classification Sherloc (09022015). Collection method: clinical testing. Allele origin: germline.
Comment: This sequence change replaces glycine, which is neutral and non-polar, with aspartic acid, which is acidic and polar, at codon 1045 of the RAI1 protein (p.Gly1045Asp). This variant is not present in population databases (gnomAD no frequency). This variant has not been reported in the literature in individuals affected with RAI1-related conditions. Invitae Evidence Modeling of protein sequence and biophysical properties (such as structural, functional, and spatial information, amino acid conservation, physicochemical variation, residue mobility, and thermodynamic stability) indicates that this missense variant is not expected to disrupt RAI1 protein function with a negative predictive value of 80%. In summary, the available evidence is currently insufficient to determine the role of this variant in disease. Therefore, it has been classified as a Variant of Uncertain Significance.